The following is an entry in ClinVar:

ClinVar aggregate classification (germline): Uncertain significance (1 of 4 stars; one submission).

Conditions:
Alpha thalassemia-X-linked intellectual disability syndrome (ATRX). Also called: ALPHA-THALASSEMIA/MENTAL RETARDATION SYNDROME, X-LINKED; ATR, NONDELETION TYPE; ATR-X syndrome; Alpha thalassemia mental retardation syndrome, nondeletion type, X-linked; XLMR hypotonic face syndrome; X-linked alpha-thalassemia-mental retardation syndrome. Identifiers: Orphanet 847, MedGen C1845055, MONDO:0010519, OMIM 301040.

Allele frequency attached by ClinVar (database versions not stated): TOPMed 0.00002; gnomAD 0.00001.
gnomAD v4.1: 1 of 1,202,874 alleles (0.000083%); highest among the groups gnomAD compares: Admixed American, 0.0022%; no homozygotes.

Submission:

Labcorp Genetics (formerly Invitae), Labcorp
Classification: Uncertain significance for Alpha thalassemia-X-linked intellectual disability syndrome. Last evaluated: 2025-11-17. Review status: criteria provided, single submitter. Criteria: Invitae Variant Classification Sherloc (09022015). Collection method: clinical testing. Allele origin: germline.
Comment: This sequence change replaces threonine, which is neutral and polar, with alanine, which is neutral and non-polar, at codon 1989 of the ATRX protein (p.Thr1989Ala). This variant is not present in population databases (gnomAD no frequency). This variant has not been reported in the literature in individuals affected with ATRX-related conditions. ClinVar contains an entry for this variant (Variation ID: 1005351). Invitae Evidence Modeling of protein sequence and biophysical properties (such as structural, functional, and spatial information, amino acid conservation, physicochemical variation, residue mobility, and thermodynamic stability) indicates that this missense variant is not expected to disrupt ATRX protein function with a negative predictive value of 95%. In summary, the available evidence is currently insufficient to determine the role of this variant in disease. Therefore, it has been classified as a Variant of Uncertain Significance.

NM_000489.6(ATRX):c.5965A>G (p.Thr1989Ala)

Gene: ATRX (ATRX chromatin remodeler; minus strand). Cytogenetic location: Xq21.1.
Variant type: single nucleotide variant.
Coding change: c.5965A>G on transcript NM_000489.6 (MANE Select); coding-DNA position 5965, A replaced by G.
Protein change: p.Thr1989Ala; replaces threonine 1989 with alanine.
Molecular consequence: missense variant.
Genome position (GRCh38, 1-based): chrX:77,593,841, T>C on the plus strand (A>G on the coding strand, the complement: ATRX is on the minus strand). VCF-style: chrX-77593841-T-C. GRCh37 (hg19) VCF-style: chrX-76849311-T-C.
Other names: c.5851A>G, p.Thr1951Ala (NM_138270.5); short protein forms T1951A, T1989A.
Identifiers: ClinVar variation 1005351 (VCV001005351.3), dbSNP rs1438449392, ClinGen allele CA413703317.